The following is an entry in ClinVar:

ClinVar aggregate classification (germline): Pathogenic (1 of 4 stars; one submission).

Conditions:
Dyskeratosis congenita. Identifiers: Orphanet 1775, MedGen C0265965, MONDO:0015780.

Submission:

Labcorp Genetics (formerly Invitae), Labcorp
Classification: Pathogenic for Dyskeratosis congenita. Last evaluated: 2025-11-05. Review status: criteria provided, single submitter. Criteria: Invitae Variant Classification Sherloc (09022015). Collection method: clinical testing. Allele origin: germline.
Comment: This sequence change creates a premature translational stop signal (p.Glu176Lysfs*16) in the CTC1 gene. It is expected to result in an absent or disrupted protein product. Loss-of-function variants in CTC1 are known to be pathogenic (PMID: 22267198, 22387016). This variant is not present in population databases (gnomAD no frequency). This variant has not been reported in the literature in individuals affected with CTC1-related conditions. For these reasons, this variant has been classified as Pathogenic.

Literature cited by the submitters: PubMed 22267198; PubMed 22387016.

NM_025099.6(CTC1):c.526del (p.Glu176fs)

Gene: CTC1 (CST telomere replication complex component 1; minus strand). Cytogenetic location: 17p13.1.
Variant type: Deletion.
Coding change: c.526del on transcript NM_025099.6 (MANE Select); coding-DNA position 526, one base deleted (G; older notation c.526delG).
Protein change: p.Glu176fs; shifts the reading frame from glutamic acid 176.
Molecular consequence: frameshift variant. On other transcripts: non-coding transcript variant (1).
Genome position (GRCh38, 1-based): chr17:8,238,152, C deleted on the plus strand (G on the coding strand, the reverse complement: CTC1 is on the minus strand); the first of 4 consecutive C bases (chr17:8,238,152-8,238,155); deleting any one gives the same sequence. VCF-style (leftmost placement, unchanged base first): chr17-8238151-TC-T. GRCh37 (hg19) VCF-style: chr17-8141469-TC-T.
Other names: c.526del, p.Glu176fs (NM_001411067.1); short protein forms E176fs.
Identifiers: ClinVar variation 4730543 (VCV004730543.1).
Genomic context (GRCh38, chr17:8,238,151, plus strand): 5'-CCAGGACTGATGGTCAAAGGAAACACTGGCACAGGGGCATCCCACAGCTCCAAGTGCCCT[TC>T]CCCTGAGGAATTCCACCTGGCAGGAGGGAGGTAACTCCAACGGGGGAACAGAAAAAGATG-3'